The following is an entry in ClinVar:

ClinVar aggregate classification (germline): Pathogenic (1 of 4 stars; one submission).

Conditions:
Pseudo-Hurler polydystrophy. Also called: MUCOLIPIDOSIS IIIA; ML III; ML III ALPHA/BETA; Type III Mucolipidosis; ML IIIA; Mucolipidosis III Alpha/Beta. Identifiers: Orphanet 423461, Orphanet 577, MedGen C0033788, MONDO:0018931, OMIM 252600.
Mucolipidosis type II. Also called: Mucolipidosis II Alpha/Beta; ML II ALPHA/BETA; Mucolipidosis 2; ML 2; Inclusion cell disease; Leroy Disease. Identifiers: Orphanet 576, MedGen C2673377, MONDO:0009650, OMIM 252500.

Submission:

Labcorp Genetics (formerly Invitae), Labcorp
Classification: Pathogenic for Pseudo-Hurler polydystrophy; Mucolipidosis type II. Last evaluated: 2022-10-08. Review status: criteria provided, single submitter. Criteria: Invitae Variant Classification Sherloc (09022015). Collection method: clinical testing. Allele origin: germline.
Comment: For these reasons, this variant has been classified as Pathogenic. This variant has not been reported in the literature in individuals affected with GNPTAB-related conditions. This variant is not present in population databases (gnomAD no frequency). This sequence change creates a premature translational stop signal (p.Leu889Trpfs*22) in the GNPTAB gene. It is expected to result in an absent or disrupted protein product. Loss-of-function variants in GNPTAB are known to be pathogenic (PMID: 19617216, 25107912).

Literature cited by the submitters: PubMed 19617216; PubMed 25107912.

NM_024312.5(GNPTAB):c.2666del (p.Leu889fs)

Gene: GNPTAB (N-acetylglucosamine-1-phosphate transferase subunits alpha and beta; minus strand). Cytogenetic location: 12q23.2.
Variant type: Deletion.
Coding change: c.2666del on transcript NM_024312.5 (MANE Select); coding-DNA position 2666, one base deleted (T; older notation c.2666delT).
Protein change: p.Leu889fs; shifts the reading frame from leucine 889.
Molecular consequence: frameshift variant.
Genome position (GRCh38, 1-based): chr12:101,764,251, A deleted on the plus strand (T on the coding strand, the reverse complement: GNPTAB is on the minus strand); the first of 2 consecutive A bases (chr12:101,764,251-101,764,252); deleting either gives the same sequence. VCF-style (leftmost placement, unchanged base first): chr12-101764250-CA-C. GRCh37 (hg19) VCF-style: chr12-102158028-CA-C.
Other names: short protein forms L889fs.
Identifiers: ClinVar variation 2017321 (VCV002017321.4), dbSNP rs2547956479, ClinGen allele CA2580085627.